The following is an entry in ClinVar:

NC_000008.10:g.(?_100443755)_(100443902_?)dup

Gene: VPS13B (vacuolar protein sorting 13 homolog B; plus strand). Cytogenetic location: 8q22.2.
Variant type: Duplication.
Identifiers: ClinVar variation 1067844 (VCV001067844.5).

ClinVar aggregate classification (germline): Likely pathogenic (1 of 4 stars; one submission).

Conditions:
Cohen syndrome (COH1). Also called: PEPPER SYNDROME; Cutis verticis gyrata, retinitis pigmentosa, and sensorineural deafness. Identifiers: Orphanet 193, MedGen C0265223, MONDO:0008999, OMIM 216550.

Submission:

Labcorp Genetics (formerly Invitae), Labcorp
Classification: Likely pathogenic for Cohen syndrome. Last evaluated: 2020-11-03. Review status: criteria provided, single submitter. Criteria: Invitae Variant Classification Sherloc (09022015). Collection method: clinical testing. Allele origin: germline.
Comment: In summary, the currently available evidence indicates that the variant is pathogenic, but additional data are needed to prove that conclusively. Therefore, this variant has been classified as Likely Pathogenic. Loss-of-function variants in VPS13B are known to be pathogenic (PMID: 15141358, 16648375, 20461111). This variant has not been reported in the literature in individuals with VPS13B-related conditions. This variant results in a copy number gain of the genomic region encompassing exon 22 of the VPS13B gene. While the exact position of this variant cannot be determined from this data, sub-genic copy number gains are generally in tandem (PMID: 25640679) and may result in an absent or disrupted protein product.

Literature cited by the submitters: PubMed 15141358; PubMed 16648375; PubMed 20461111; PubMed 25640679.